The following is an entry in ClinVar:

NM_000038.6(APC):c.2351dup (p.His785fs)

Gene: APC (APC regulator of Wnt signaling pathway; plus strand). Cytogenetic location: 5q22.2.
Variant type: Duplication.
Coding change: c.2351dup on transcript NM_000038.6 (MANE Select); coding-DNA position 2351, one base duplicated (C; older notation c.2351dupC).
Protein change: p.His785fs; shifts the reading frame from histidine 785.
Molecular consequence: frameshift variant. On other transcripts: non-coding transcript variant (2).
Genome position (GRCh38, 1-based): chr5:112,837,945, C duplicated. VCF-style (leftmost placement, unchanged base first): chr5-112837944-T-TC. GRCh37 (hg19) VCF-style: chr5-112173641-T-TC.
Other names: c.2351dup, p.His785fs (NM_001127510.3, NM_001354895.2, NM_001407450.1); c.2297dup, p.His767fs (NM_001127511.3); c.2405dup, p.His803fs (NM_001354896.2, NM_001407447.1, NM_001407448.1 and 1 more transcripts); c.2381dup, p.His795fs (NM_001354897.2); c.2276dup, p.His760fs (NM_001354898.2); c.2267dup, p.His757fs (NM_001354899.2); c.2228dup, p.His744fs (NM_001354900.2); c.2174dup, p.His726fs (NM_001354901.2, NM_001407453.1); and 11 more; short protein forms H401fs, H502fs, H625fs, H656fs, H659fs, H684fs, H694fs, H702fs.
Identifiers: ClinVar variation 2584169 (VCV002584169.2), dbSNP rs2533414490, ClinGen allele CA2582341458.

ClinVar aggregate classification (germline): Pathogenic (1 of 4 stars; one submission).

Conditions:
Familial adenomatous polyposis 1 (FAP1). Also called: FAMILIAL ADENOMATOUS POLYPOSIS 1, ATTENUATED; POLYPOSIS, ADENOMATOUS INTESTINAL. Identifiers: MedGen C2713442, MONDO:0021056, OMIM 175100. Disease mechanism: loss of function.

Submission:

Myriad Genetics, Inc.
Classification: Pathogenic for Familial adenomatous polyposis 1. Last evaluated: 2023-05-04. Review status: criteria provided, single submitter. Criteria: Myriad Autosomal Dominant, Autosomal Recessive and X-Linked Classification Criteria (2023). Collection method: clinical testing. Allele origin: unknown.
Comment: This variant is considered pathogenic. This variant creates a frameshift predicted to result in premature protein truncation.